The following is an entry in ClinVar:

NM_005045.4(RELN):c.5117T>C (p.Ile1706Thr)

Gene: RELN (reelin; minus strand). Cytogenetic location: 7q22.1.
Variant type: single nucleotide variant.
Coding change: c.5117T>C on transcript NM_005045.4 (MANE Select); coding-DNA position 5117, T replaced by C.
Protein change: p.Ile1706Thr; replaces isoleucine 1706 with threonine.
Molecular consequence: missense variant.
Genome position (GRCh38, 1-based): chr7:103,565,371, A>G on the plus strand (T>C on the coding strand, the complement: RELN is on the minus strand). VCF-style: chr7-103565371-A-G. GRCh37 (hg19) VCF-style: chr7-103205818-A-G.
Other names: c.5117T>C, p.Ile1706Thr (NM_173054.3); short protein forms I1706T.
Identifiers: ClinVar variation 1040163 (VCV001040163.7), dbSNP rs1156996317, ClinGen allele CA368745996.

ClinVar aggregate classification (germline): Uncertain significance. Review status: criteria provided, multiple submitters, no conflicts (2 of 4 stars). 2 submissions from 2 submitters: Uncertain significance (2). Last evaluated 2024-10-02.

Conditions:
Norman-Roberts syndrome (LIS2). Also called: Lissencephaly 2 (Norman-Roberts type). Identifiers: Orphanet 89844, MedGen C0796089, MONDO:0009760, OMIM 257320.
Familial temporal lobe epilepsy 7. Identifiers: Orphanet 101046, MedGen C4225327, MONDO:0014639, OMIM 616436.

Allele frequency attached by ClinVar (database versions not stated): gnomAD 0.00001; gnomAD exomes 0.00001 and 0.00002; TOPMed 0.00001.
gnomAD v4.1: 11 of 1,613,964 alleles (0.00068%); highest among the groups gnomAD compares: Non-Finnish European, 0.00093%; no homozygotes.

Submissions (2):

Blueprint Genetics
Classification: Uncertain significance. Last evaluated: 2024-10-02. Review status: criteria provided, single submitter. Criteria: ACMG Guidelines, 2015. Collection method: clinical testing. Allele origin: germline.

Labcorp Genetics (formerly Invitae), Labcorp
Classification: Uncertain significance for Familial temporal lobe epilepsy 7; Norman-Roberts syndrome. Last evaluated: 2024-07-22. Review status: criteria provided, single submitter. Criteria: Invitae Variant Classification Sherloc (09022015). Collection method: clinical testing. Allele origin: germline.
Comment: This sequence change replaces isoleucine, which is neutral and non-polar, with threonine, which is neutral and polar, at codon 1706 of the RELN protein (p.Ile1706Thr). This variant is present in population databases (no rsID available, gnomAD 0.002%). This variant has not been reported in the literature in individuals affected with RELN-related conditions. ClinVar contains an entry for this variant (Variation ID: 1040163). Advanced modeling of protein sequence and biophysical properties (such as structural, functional, and spatial information, amino acid conservation, physicochemical variation, residue mobility, and thermodynamic stability) performed at Invitae indicates that this missense variant is not expected to disrupt RELN protein function with a negative predictive value of 80%. In summary, the available evidence is currently insufficient to determine the role of this variant in disease. Therefore, it has been classified as a Variant of Uncertain Significance.